The following is an entry in ClinVar:

ClinVar aggregate classification (germline): Uncertain significance. Review status: criteria provided, multiple submitters, no conflicts (2 of 4 stars). 5 submissions from 4 submitters: Uncertain significance (5). Last evaluated 2025-06-26.

Conditions:
Basal cell carcinoma, susceptibility to, 1. Also called: BCC1. Identifiers: MedGen C2751544, MONDO:0011556, OMIM 605462.
Hereditary cancer-predisposing syndrome. Also called: Neoplastic Syndromes, Hereditary; Tumor predisposition; Hereditary Cancer Syndrome; Hereditary neoplastic syndrome. Identifiers: Orphanet 140162, MedGen C0027672, MeSH D009386, MONDO:0015356.
Gorlin syndrome. Also called: Basal cell nevus syndrome; Nevoid Basal Cell Carcinoma Syndrome. Identifiers: Orphanet 377, MedGen C0004779, MONDO:0007187.
Holoprosencephaly 7 (HPE7). Identifiers: Orphanet 2162, MedGen C1835820, MONDO:0012562, OMIM 610828.

Submissions (5):

Ambry Genetics
Classification: Uncertain significance for Hereditary cancer-predisposing syndrome. Last evaluated: 2025-06-26. Review status: criteria provided, single submitter. Criteria: Ambry Variant Classification Scheme 2023. Collection method: clinical testing. Allele origin: germline.
Comment: The p.S494A variant (also known as c.1480T>G), located in coding exon 10 of the PTCH1 gene, results from a T to G substitution at nucleotide position 1480. The serine at codon 494 is replaced by alanine, an amino acid with similar properties. This amino acid position is highly conserved in available vertebrate species. In addition, the in silico prediction for this alteration is inconclusive. Based on the available evidence, the clinical significance of this variant remains unclear.

Baylor Genetics
Classification: Uncertain significance for Basal cell carcinoma, susceptibility to, 1. Last evaluated: 2024-03-15. Review status: criteria provided, single submitter. Criteria: ACMG Guidelines, 2015. Collection method: clinical testing. Allele origin: unknown.

Labcorp Genetics (formerly Invitae), Labcorp
Classification: Uncertain significance for Gorlin syndrome. Last evaluated: 2023-03-08. Review status: criteria provided, single submitter. Criteria: Invitae Variant Classification Sherloc (09022015). Collection method: clinical testing. Allele origin: germline.
Comment: This sequence change replaces serine, which is neutral and polar, with alanine, which is neutral and non-polar, at codon 494 of the PTCH1 protein (p.Ser494Ala). In summary, the available evidence is currently insufficient to determine the role of this variant in disease. Therefore, it has been classified as a Variant of Uncertain Significance. Advanced modeling of protein sequence and biophysical properties (such as structural, functional, and spatial information, amino acid conservation, physicochemical variation, residue mobility, and thermodynamic stability) performed at Invitae indicates that this missense variant is not expected to disrupt PTCH1 protein function. ClinVar contains an entry for this variant (Variation ID: 367673). This variant has not been reported in the literature in individuals affected with PTCH1-related conditions. This variant is not present in population databases (gnomAD no frequency).

Illumina Laboratory Services, Illumina
Classification: Uncertain significance for Holoprosencephaly 7. Last evaluated: 2018-01-13. Review status: criteria provided, single submitter. Criteria: ICSL Variant Classification Criteria 13 December 2019. Collection method: clinical testing. Allele origin: germline.

Illumina Laboratory Services, Illumina
Classification: Uncertain significance for Basal cell nevus syndrome 1. Last evaluated: 2018-01-13. Review status: criteria provided, single submitter. Criteria: ICSL Variant Classification Criteria 13 December 2019. Collection method: clinical testing. Allele origin: germline.

NM_000264.5(PTCH1):c.1480T>G (p.Ser494Ala)

Gene: PTCH1 (patched 1; minus strand). Cytogenetic location: 9q22.32.
Variant type: single nucleotide variant.
Coding change: c.1480T>G on transcript NM_000264.5 (MANE Select); coding-DNA position 1480, T replaced by G.
Protein change: p.Ser494Ala; replaces serine 494 with alanine.
Molecular consequence: missense variant. On other transcripts: non-coding transcript variant (1), intron variant (1).
Genome position (GRCh38, 1-based): chr9:95,477,570, A>C on the plus strand (T>G on the coding strand, the complement: PTCH1 is on the minus strand). VCF-style: chr9-95477570-A-C. GRCh37 (hg19) VCF-style: chr9-98239852-A-C.
Other names: c.1282T>G, p.Ser428Ala (NM_001083602.3); c.1477T>G, p.Ser493Ala (NM_001083603.3); c.1027T>G, p.Ser343Ala (NM_001083604.3, NM_001083605.3, NM_001083606.3 and 1 more transcripts); c.1347+485T>G (NM_001354918.2); short protein forms S428A, S494A, S343A, S493A.
Identifiers: ClinVar variation 367673 (VCV000367673.18), dbSNP rs1057515719, ClinGen allele CA10627744.
Genomic context (GRCh38, chr9:95,477,570, plus strand): 5'-TTGTCAACGGACAGCAGATAAATGGCTCCTTTAGTACCTGAGTTGTTGCAGCGTTAAAGG[A>C]AATTCCGATCAATGAGCACAGGCCCAGTCCTGCAGCCACTGACAGTGCAACCAGCAGGAC-3'
Protein context (NP_000255.2, residues 484-504): GLGLCSLIGI[Ser494Ala]FNAATTQVLP